The following is an entry in ClinVar:

NM_020975.6(RET):c.757GTG[1] (p.Val254del)

Gene: RET (ret proto-oncogene; plus strand). Cytogenetic location: 10q11.21.
Variant type: Microsatellite.
Coding change: c.757GTG[1] on transcript NM_020975.6 (MANE Select); one copy of the 3-base unit GTG starting at c.757; the reference has two copies in a row; one copy, 3 bases deleted.
Protein change: p.Val254del; deletes valine 254.
Molecular consequence: 5 prime UTR variant (on NM_001355216.2). On other transcripts: inframe indel (2), intron variant (22).
Genome position (GRCh38, 1-based): chr10:43,105,086-43,105,088, GTG deleted; deleting any 3 consecutive bases within chr10:43,105,082-43,105,088 gives the same sequence; the position shown is the placement nearest the transcript's 3' end. VCF-style (leftmost placement, unchanged base first): chr10-43105081-AGGT-A. GRCh37 (hg19) VCF-style: chr10-43600529-AGGT-A.
Other names: c.-6GTG[1] (NM_001355216.2); c.757GTG[1], p.Val254del (NM_001406743.1, NM_001406744.1, NM_001406759.1 and 6 more transcripts); c.628GTG[1], p.Val211del (NM_001406761.1, NM_001406762.1, NM_001406764.1 and 2 more transcripts); c.469GTG[1], p.Val158del (NM_001406766.1, NM_001406767.1, NM_001406770.1); c.757_759GTG[1], p.Val254del (NM_020975.4); c.625+2457_625+2459del (NM_001406773.1, NM_001406771.1, NM_001406782.1 and 5 more transcripts); c.496+2457_496+2459del (NM_001406786.1, NM_001406783.1); c.338-3945_338-3943del (NM_001406778.1, NM_001406775.1, NM_001406776.1 and 1 more transcripts); and 4 more; short protein forms V158del, V254del, V211del.
Identifiers: ClinVar variation 3432244 (VCV003432244.1).
Genomic context (GRCh38, chr10:43,105,081, plus strand): 5'-AGCAGCGGGAGAAGTACGAGCTGGTGGCCGTGTGCACCGTGCACGCCGGCGCGCGCGAGG[AGGT>A]GGTGATGGTGCCCTTCCCGGTGACCGTGTACGACGAGGACGACTCGGCGCCCACCTTCCC-3'

ClinVar aggregate classification (germline): Uncertain significance (1 of 4 stars; one submission).

Conditions:
Hereditary cancer-predisposing syndrome. Also called: Neoplastic Syndromes, Hereditary; Tumor predisposition; Hereditary Cancer Syndrome; Hereditary neoplastic syndrome. Identifiers: Orphanet 140162, MedGen C0027672, MeSH D009386, MONDO:0015356.

Submission:

Ambry Genetics
Classification: Uncertain significance for Hereditary cancer-predisposing syndrome. Last evaluated: 2024-09-03. Review status: criteria provided, single submitter. Criteria: Ambry Variant Classification Scheme 2023. Collection method: clinical testing. Allele origin: germline.
Comment: The c.760_762delGTG variant (also known as p.V254del) is located in coding exon 4 of the RET gene. This variant results from an in-frame GTG deletion at nucleotide positions 760 to 762. This results in the in-frame deletion of a valine at codon 254. This amino acid position is well conserved in available vertebrate species. In addition, this alteration is predicted to be neutral by in silico analysis (Choi Y et al. PLoS ONE. 2012; 7(10):e46688). Based on the available evidence, the clinical significance of this variant remains unclear.